The following is an entry in ClinVar:

ClinVar aggregate classification (germline): Uncertain significance (1 of 4 stars; one submission).

Conditions:
Carnitine acylcarnitine translocase deficiency (CACTD). Identifiers: Orphanet 159, MedGen C0342791, MONDO:0008918, OMIM 212138.

Allele frequency attached by ClinVar (database versions not stated): gnomAD exomes 0.00001 and 0.00002; TOPMed 0.00001; gnomAD 0.00002; ExAC 0.00004; ESP Exome Variant Server 0.00015.
gnomAD v4.1: 14 of 1,613,820 alleles (0.00087%); highest among the groups gnomAD compares: African/African-American, 0.0067%; no homozygotes.

Submission:

Labcorp Genetics (formerly Invitae), Labcorp
Classification: Uncertain significance for Carnitine acylcarnitine translocase deficiency. Last evaluated: 2022-10-26. Review status: criteria provided, single submitter. Criteria: Invitae Variant Classification Sherloc (09022015). Collection method: clinical testing. Allele origin: germline.
Comment: This sequence change replaces valine, which is neutral and non-polar, with methionine, which is neutral and non-polar, at codon 88 of the SLC25A20 protein (p.Val88Met). This variant is present in population databases (rs145573028, gnomAD 0.008%). This variant has not been reported in the literature in individuals affected with SLC25A20-related conditions. ClinVar contains an entry for this variant (Variation ID: 1056602). Advanced modeling of protein sequence and biophysical properties (such as structural, functional, and spatial information, amino acid conservation, physicochemical variation, residue mobility, and thermodynamic stability) performed at Invitae indicates that this missense variant is not expected to disrupt SLC25A20 protein function. In summary, the available evidence is currently insufficient to determine the role of this variant in disease. Therefore, it has been classified as a Variant of Uncertain Significance.

NM_000387.6(SLC25A20):c.262G>A (p.Val88Met)

Gene: SLC25A20 (solute carrier family 25 member 20; minus strand). Cytogenetic location: 3p21.31.
Variant type: single nucleotide variant.
Coding change: c.262G>A on transcript NM_000387.6 (MANE Select); coding-DNA position 262, G replaced by A.
Protein change: p.Val88Met; replaces valine 88 with methionine.
Molecular consequence: missense variant.
Genome position (GRCh38, 1-based): chr3:48,884,061, C>T on the plus strand (G>A on the coding strand, the complement: SLC25A20 is on the minus strand). VCF-style: chr3-48884061-C-T. GRCh37 (hg19) VCF-style: chr3-48921494-C-T.
Other names: short protein forms V88M.
Identifiers: ClinVar variation 1056602 (VCV001056602.2), dbSNP rs145573028, ClinGen allele CA2387447.
Genomic context (GRCh38, chr3:48,884,061, plus strand): 5'-GCACATCTTCTGGGTGTTTCTGTTGTAGTTTCTTCCCCAAACCAAACCCAAAGAAGCACA[C>T]GGCAAACATGGGAGTGACCCCGATGATAGGGGCAGCCATTCCCCGATATAGCCCCGTGAT-3'
Protein context (NP_000378.1, residues 78-98): PIIGVTPMFA[Val88Met]CFFGFGLGKK